The following is an entry in ClinVar:

ClinVar aggregate classification (germline): Uncertain significance. Review status: criteria provided, multiple submitters, no conflicts (2 of 4 stars). 3 submissions from 3 submitters: Uncertain significance (2). 1 of the submissions does not count toward it. Last evaluated 2021-09-08.

Conditions:
Late-infantile neuronal ceroid lipofuscinosis. Also called: Jansky-Bielschowsky disease. Identifiers: MedGen C0022340, MONDO:0015674.
Neuronal ceroid lipofuscinosis 7 (CLN7). Also called: MFSD8-Related Neuronal Ceroid-Lipofuscinosis. Identifiers: Orphanet 168491, Orphanet 228366, MedGen C1838571, MONDO:0012588, OMIM 610951.

Allele frequency attached by ClinVar (database versions not stated): gnomAD 0.00001; TOPMed 0.00002.
gnomAD v4.1: 3 of 1,614,102 alleles (0.00019%); highest among the groups gnomAD compares: Non-Finnish European, 0.00025%; no homozygotes.

Submissions (3):

Blueprint Genetics
Classification: Uncertain significance. Last evaluated: 2021-09-08. Review status: criteria provided, single submitter. Criteria: ACMG Guidelines, 2015. Collection method: clinical testing. Allele origin: germline.

Labcorp Genetics (formerly Invitae), Labcorp
Classification: Uncertain significance for Neuronal ceroid lipofuscinosis 7. Last evaluated: 2021-08-27. Review status: criteria provided, single submitter. Criteria: Invitae Variant Classification Sherloc (09022015). Collection method: clinical testing. Allele origin: germline.
Comment: This sequence change replaces serine with threonine at codon 74 of the MFSD8 protein (p.Ser74Thr). The serine residue is moderately conserved and there is a small physicochemical difference between serine and threonine. This variant is not present in population databases (ExAC no frequency). This variant has not been reported in the literature in individuals affected with MFSD8-related conditions. Algorithms developed to predict the effect of missense changes on protein structure and function (SIFT, PolyPhen-2, Align-GVGD) all suggest that this variant is likely to be tolerated. In summary, the available evidence is currently insufficient to determine the role of this variant in disease. Therefore, it has been classified as a Variant of Uncertain Significance.

Natera, Inc.
Classification: Uncertain significance for Late-infantile neuronal ceroid lipofuscinosis. Last evaluated: 2020-03-30. Review status: no assertion criteria provided. Collection method: clinical testing. Allele origin: germline. Not counted in ClinVar's aggregate classification.

NM_001371596.2(MFSD8):c.221G>C (p.Ser74Thr)

Gene: MFSD8 (major facilitator superfamily domain containing 8; minus strand). Cytogenetic location: 4q28.2.
Variant type: single nucleotide variant.
Coding change: c.221G>C on transcript NM_001371596.2 (MANE Select); coding-DNA position 221, G replaced by C.
Protein change: p.Ser74Thr; replaces serine 74 with threonine.
Molecular consequence: missense variant.
Genome position (GRCh38, 1-based): chr4:127,943,970, C>G on the plus strand (G>C on the coding strand, the complement: MFSD8 is on the minus strand). VCF-style: chr4-127943970-C-G. GRCh37 (hg19) VCF-style: chr4-128865125-C-G.
Other names: c.221G>C, p.Ser74Thr (NM_001363520.3, NM_001363521.3, NM_001371591.2 and 5 more transcripts); c.86G>C, p.Ser29Thr (NM_001371590.2, NM_001371595.1, NM_001410765.1); short protein forms S29T, S74T.
Identifiers: ClinVar variation 863333 (VCV000863333.7), dbSNP rs759313071, ClinGen allele CA105687167.